The following is an entry in ClinVar:

NM_000051.4(ATM):c.2125-48T>C

Gene: ATM (ATM serine/threonine kinase; plus strand). Cytogenetic location: 11q22.3.
Variant type: single nucleotide variant.
Coding change: c.2125-48T>C on transcript NM_000051.4 (MANE Select); 48 bases into the intron before coding-DNA position 2125, T replaced by C.
Molecular consequence: intron variant.
Genome position (GRCh38, 1-based): chr11:108,256,167, T>C. VCF-style: chr11-108256167-T-C. GRCh37 (hg19) VCF-style: chr11-108126894-T-C.
Other names: c.2125-48T>C (NM_001351834.2).
Identifiers: ClinVar variation 584780 (VCV000584780.25), dbSNP rs371067508, ClinGen allele CA6264946.

ClinVar aggregate classification (germline): Likely benign. Review status: criteria provided, multiple submitters, no conflicts (2 of 4 stars). 3 submissions from 3 submitters: Likely benign (3). Last evaluated 2026-04-01.

Conditions:
Ataxia-telangiectasia syndrome (AT). Also called: LOUIS-BAR SYNDROME; Cerebello-oculocutaneous telangiectasia; Immunodeficiency with ataxia telangiectasia; Ataxia-telangiectasia, complementation group D; AT, COMPLEMENTATION GROUP C; Ataxia-telangiectasia. Identifiers: Orphanet 100, MedGen C0004135, MONDO:0008840, OMIM 208900.

Allele frequency attached by ClinVar (database versions not stated): 1000 Genomes Project 30x 0.00016; 1000 Genomes Project 0.00020; ExAC 0.00056; ESP Exome Variant Server 0.00081; gnomAD exomes 0.00085 and 0.00177; gnomAD 0.00097 and 0.00101; TOPMed 0.00098.
gnomAD v4.1: 2,401 of 1,449,406 alleles (0.17%); highest among the groups gnomAD compares: Non-Finnish European, 0.21%; 5 homozygotes.

Submissions (3):

CeGaT Center for Human Genetics Tuebingen
Classification: Likely benign. Last evaluated: 2026-04-01. Review status: criteria provided, single submitter. Criteria: CeGaT Center For Human Genetics Tuebingen Variant Classification Criteria Version 2. Collection method: clinical testing. Allele origin: germline. Affected: yes. Observed: 5 variant alleles.
Comment: ATM: BP4, BS1

Center for Genomic Medicine, Rigshospitalet, Copenhagen University Hospital
Classification: Likely benign. Last evaluated: 2025-03-04. Review status: criteria provided, single submitter. Criteria: ACMG Guidelines, 2015. Collection method: clinical testing. Allele origin: germline.

Mendelics
Classification: Likely benign for Ataxia-telangiectasia syndrome. Last evaluated: 2018-07-02. Review status: criteria provided, single submitter. Criteria: Mendelics Assertion Criteria 2017. Collection method: clinical testing. Allele origin: unknown.